The following is an entry in ClinVar:

NM_000057.4(BLM):c.853A>G (p.Lys285Glu)

Gene: BLM (BLM RecQ like helicase; plus strand). Cytogenetic location: 15q26.1.
Variant type: single nucleotide variant.
Coding change: c.853A>G on transcript NM_000057.4 (MANE Select); coding-DNA position 853, A replaced by G.
Protein change: p.Lys285Glu; replaces lysine 285 with glutamic acid.
Molecular consequence: missense variant. On other transcripts: 5 prime UTR variant (1).
Genome position (GRCh38, 1-based): chr15:90,751,840, A>G. VCF-style: chr15-90751840-A-G. GRCh37 (hg19) VCF-style: chr15-91295070-A-G.
Other names: c.853A>G, p.Lys285Glu (NM_001287246.2, NM_001287247.2); c.-439A>G (NM_001287248.2); short protein forms K285E.
Identifiers: ClinVar variation 1763779 (VCV001763779.5), dbSNP rs1334137414, ClinGen allele CA393841733.

ClinVar aggregate classification (germline): Uncertain significance. Review status: criteria provided, multiple submitters, no conflicts (2 of 4 stars). 2 submissions from 2 submitters: Uncertain significance (2). Last evaluated 2024-11-14.

Conditions:
Hereditary cancer-predisposing syndrome. Also called: Neoplastic Syndromes, Hereditary; Tumor predisposition; Hereditary Cancer Syndrome; Hereditary neoplastic syndrome. Identifiers: Orphanet 140162, MedGen C0027672, MeSH D009386, MONDO:0015356.
Bloom syndrome (BLM). Also called: Bloom-Torre-Machacek syndrome. Identifiers: Orphanet 125, MedGen C0005859, MONDO:0008876, OMIM 210900.

Allele frequency attached by ClinVar (database versions not stated): gnomAD exomes below 0.00001; TOPMed 0.00002.
gnomAD v4.1: 2 of 1,612,826 alleles (0.00012%); highest among the groups gnomAD compares: African/African-American, 0.0027%; no homozygotes.

Submissions (2):

Labcorp Genetics (formerly Invitae), Labcorp
Classification: Uncertain significance for Bloom syndrome. Last evaluated: 2024-11-14. Review status: criteria provided, single submitter. Criteria: Invitae Variant Classification Sherloc (09022015). Collection method: clinical testing. Allele origin: germline.
Comment: This sequence change replaces lysine, which is basic and polar, with glutamic acid, which is acidic and polar, at codon 285 of the BLM protein (p.Lys285Glu). This variant is present in population databases (no rsID available, gnomAD 0.01%). This variant has not been reported in the literature in individuals affected with BLM-related conditions. ClinVar contains an entry for this variant (Variation ID: 1763779). Invitae Evidence Modeling of protein sequence and biophysical properties (such as structural, functional, and spatial information, amino acid conservation, physicochemical variation, residue mobility, and thermodynamic stability) indicates that this missense variant is not expected to disrupt BLM protein function with a negative predictive value of 80%. In summary, the available evidence is currently insufficient to determine the role of this variant in disease. Therefore, it has been classified as a Variant of Uncertain Significance.

Ambry Genetics
Classification: Uncertain significance for Hereditary cancer-predisposing syndrome. Last evaluated: 2021-06-22. Review status: criteria provided, single submitter. Criteria: Ambry Variant Classification Scheme 2023. Collection method: clinical testing. Allele origin: germline.
Comment: The p.K285E variant (also known as c.853A>G), located in coding exon 3 of the BLM gene, results from an A to G substitution at nucleotide position 853. The lysine at codon 285 is replaced by glutamic acid, an amino acid with similar properties. This amino acid position is poorly conserved in available vertebrate species. In addition, this alteration is predicted to be tolerated by in silico analysis. Since supporting evidence is limited at this time, the clinical significance of this alteration remains unclear.